The following is an entry in ClinVar:

Conditions:
Breast-ovarian cancer, familial, susceptibility to, 1 (BROVCA1). Also called: BRCA1 Hereditary Breast and Ovarian Cancer; OVARIAN CANCER, SUSCEPTIBILITY TO. Identifiers: Orphanet 145, MedGen C2676676, MONDO:0011450, OMIM 604370. Disease mechanism: loss of function.

Submission:

Brotman Baty Institute, University of Washington
No classification provided (evidence only). Condition: Breast-ovarian cancer, familial 1. Review status: no classification provided. Collection method: in vitro. Allele origin: not applicable. Functional consequence: function_uncertain_variant.
ClinVar note: "not provided" was previously submitted as the classification for the variant. However, the classification appeared to be based only on an observation of functional data so it was converted to no classification on 2025-07-30.

NM_007294.4(BRCA1):c.185C>A (p.Pro62His)

Gene: BRCA1 (BRCA1 DNA repair associated; minus strand). Cytogenetic location: 17q21.31.
Variant type: single nucleotide variant.
Coding change: c.185C>A on transcript NM_007294.4 (MANE Select); coding-DNA position 185, C replaced by A.
Protein change: p.Pro62His; replaces proline 62 with histidine.
Molecular consequence: missense variant. On other transcripts: non-coding transcript variant (1).
Genome position (GRCh38, 1-based): chr17:43,106,483, G>T on the plus strand (C>A on the coding strand, the complement: BRCA1 is on the minus strand). VCF-style: chr17-43106483-G-T. GRCh37 (hg19) VCF-style: chr17-41258500-G-T.
Other names: c.-4C>A (NM_001407571.1, NM_001407853.1, NM_001407879.1 and 58 more transcripts); c.185C>A, p.Pro62His (NM_001407581.1, NM_001407582.1, NM_001407583.1 and 168 more transcripts); c.44C>A, p.Pro15His (NM_001407692.1, NM_001407694.1, NM_001407695.1 and 99 more transcripts); short protein forms P15H, P62H.
Identifiers: ClinVar variation 868257 (VCV000868257.3), dbSNP rs786202286, ClinGen allele CA10601793.